The following is an entry in ClinVar:

ClinVar aggregate classification (germline): Uncertain significance (1 of 4 stars; one submission).

Conditions:
Hereditary cancer-predisposing syndrome. Also called: Neoplastic Syndromes, Hereditary; Tumor predisposition; Hereditary Cancer Syndrome; Hereditary neoplastic syndrome. Identifiers: Orphanet 140162, MedGen C0027672, MeSH D009386, MONDO:0015356.

Submission:

Ambry Genetics
Classification: Uncertain significance for Hereditary cancer-predisposing syndrome. Last evaluated: 2026-05-01. Review status: criteria provided, single submitter. Criteria: Ambry Variant Classification Scheme 2023. Collection method: clinical testing. Allele origin: germline.
Comment: The p.S549P variant (also known as c.1645T>C), located in coding exon 9 of the DICER1 gene, results from a T to C substitution at nucleotide position 1645. The serine at codon 549 is replaced by proline, an amino acid with similar properties. This amino acid position is conserved. In addition, this alteration is predicted to be deleterious by in silico analysis. Based on the available evidence, the clinical significance of this variant remains unclear.

NM_177438.3(DICER1):c.1645T>C (p.Ser549Pro)

Gene: DICER1 (dicer 1, ribonuclease III; minus strand). Cytogenetic location: 14q32.13.
Variant type: single nucleotide variant.
Coding change: c.1645T>C on transcript NM_177438.3 (MANE Select); coding-DNA position 1645, T replaced by C.
Protein change: p.Ser549Pro; replaces serine 549 with proline.
Molecular consequence: missense variant. On other transcripts: non-coding transcript variant (6), 5 prime UTR variant (1).
Genome position (GRCh38, 1-based): chr14:95,116,560, A>G on the plus strand (T>C on the coding strand, the complement: DICER1 is on the minus strand). VCF-style: chr14-95116560-A-G. GRCh37 (hg19) VCF-style: chr14-95582897-A-G.
Other names: c.1363T>C, p.Ser455Pro (NM_001395686.1); c.1240T>C, p.Ser414Pro (NM_001395687.1, NM_001395688.1, NM_001395689.1 and 3 more transcripts); c.1078T>C, p.Ser360Pro (NM_001395691.1); c.1645T>C, p.Ser549Pro (NM_001395692.1, NM_001395693.1, NM_001395694.1 and 12 more transcripts); c.-39T>C (NM_001395697.1); short protein forms S360P, S414P, S455P, S549P.
Identifiers: ClinVar variation 4869743 (VCV004869743.1).